The following is an entry in ClinVar:

NM_002693.3(POLG):c.130_131del (p.Gln44fs)

Genes: POLG (DNA polymerase gamma, catalytic subunit; minus strand), POLGARF (POLG alternative reading frame; minus strand). Cytogenetic location: 15q26.1.
Variant type: Deletion.
Coding change: c.130_131del on transcript NM_002693.3 (MANE Select); coding-DNA positions 130 to 131, 2 bases deleted (CA; older notation c.130_131delCA).
Protein change: p.Gln44fs; shifts the reading frame from glutamine 44.
Molecular consequence: frameshift variant.
Genome position (GRCh38, 1-based): chr15:89,333,624-89,333,625, TG deleted on the plus strand (CA on the coding strand, the reverse complement: POLG is on the minus strand). VCF-style (leftmost placement, unchanged base first): chr15-89333623-CTG-C. GRCh37 (hg19) VCF-style: chr15-89876854-CTG-C.
Other names: c.185_186del, p.Ala62fs (NM_001430120.1); c.130_131del, p.Gln44fs (NM_001126131.2); short protein forms A62fs, Q44fs.
Identifiers: ClinVar variation 5012779 (VCV005012779.1).

ClinVar aggregate classification (germline): Pathogenic (1 of 4 stars; one submission).

Conditions:
POLG-related disorder. Also called: POLG-Related Spectrum Disorders; POLG-related condition; POLG-Related Disorders. Identifiers: MedGen C4763519.

Submission:

Myriad Genetics, Inc.
Classification: Pathogenic for POLG-related disorder. Last evaluated: 2024-02-26. Review status: criteria provided, single submitter. Criteria: Myriad Autosomal Dominant, Autosomal Recessive and X-Linked Classification Criteria (2023). Collection method: clinical testing. Allele origin: unknown.
Comment: NM_002693.2(POLG):c.130_131delCA(Q44Afs*199) is expected to be pathogenic in the context of POLG-related disorders. This variant is predicted to lead to an abnormal or absent protein product due to the creation of a premature termination codon in POLG, a gene where loss-of-function variants are known to be pathogenic. Please note: this variant was assessed in the context of healthy population screening.